The following is an entry in ClinVar:

ClinVar aggregate classification (germline): Uncertain significance (1 of 4 stars; one submission).

Conditions:
INPP5E-related disorder. Also called: INPP5E-related condition.

gnomAD v4.1: 1 of 1,612,034 alleles (0.000062%); highest among the groups gnomAD compares: Non-Finnish European, 0.000085%; no homozygotes.

Submission:

PreventionGenetics, part of Exact Sciences
Classification: Uncertain significance for INPP5E-related condition. Last evaluated: 2025-03-27. Review status: criteria provided, single submitter. Criteria: ACMG Guidelines, 2015. Collection method: clinical testing. Allele origin: germline.
Comment: The INPP5E c.1822A>G variant is predicted to result in the amino acid substitution p.Lys608Glu. To our knowledge, this variant has not been reported in the literature or in a large population database (gnomAD), indicating this variant is rare. At this time, the clinical significance of this variant is uncertain due to the absence of conclusive functional and genetic evidence.

NM_019892.6(INPP5E):c.1822A>G (p.Lys608Glu)

Gene: INPP5E (inositol polyphosphate-5-phosphatase E; minus strand). Cytogenetic location: 9q34.3.
Variant type: single nucleotide variant.
Coding change: c.1822A>G on transcript NM_019892.6 (MANE Select); coding-DNA position 1822, A replaced by G.
Protein change: p.Lys608Glu; replaces lysine 608 with glutamic acid.
Molecular consequence: missense variant.
Genome position (GRCh38, 1-based): chr9:136,429,788, T>C on the plus strand (A>G on the coding strand, the complement: INPP5E is on the minus strand). VCF-style: chr9-136429788-T-C. GRCh37 (hg19) VCF-style: chr9-139324240-T-C.
Other names: c.1819A>G, p.Lys607Glu (NM_001318502.2); short protein forms K607E, K608E.
Identifiers: ClinVar variation 4999987 (VCV004999987.1).